The following is an entry in ClinVar:

ClinVar aggregate classification (germline): Likely benign. Review status: criteria provided, multiple submitters, no conflicts (2 of 4 stars). 2 submissions from 2 submitters: Likely benign (2). Last evaluated 2026-02-01.

Conditions:
Blau syndrome (BLAUS). Also called: GRANULOMATOSIS, FAMILIAL JUVENILE SYSTEMIC; GRANULOMATOSIS, FAMILIAL, BLAU TYPE; GRANULOMATOUS INFLAMMATORY ARTHRITIS, DERMATITIS, AND UVEITIS, FAMILIAL; JABS SYNDROME; ARTHROCUTANEOUVEAL GRANULOMATOSIS. Identifiers: Orphanet 90340, MedGen C5201146, MONDO:0008523, OMIM 186580.
Regional enteritis. Also called: Enteritis, Granulomatous. Identifiers: MedGen C0678202, MeSH D003424.

Submissions (2):

CeGaT Center for Human Genetics Tuebingen
Classification: Likely benign. Last evaluated: 2026-02-01. Review status: criteria provided, single submitter. Criteria: CeGaT Center For Human Genetics Tuebingen Variant Classification Criteria Version 2. Collection method: clinical testing. Allele origin: germline. Affected: yes. Observed: 1 variant allele.
Comment: NOD2: BP4, BP7

Labcorp Genetics (formerly Invitae), Labcorp
Classification: Likely benign for Regional enteritis; Blau syndrome. Last evaluated: 2025-07-18. Review status: criteria provided, single submitter. Criteria: Invitae Variant Classification Sherloc (09022015). Collection method: clinical testing. Allele origin: germline.

NM_001370466.1(NOD2):c.1923G>T (p.Pro641=)

Gene: NOD2 (nucleotide binding oligomerization domain containing 2; plus strand). Cytogenetic location: 16q12.1.
Variant type: single nucleotide variant.
Coding change: c.1923G>T on transcript NM_001370466.1 (MANE Select); coding-DNA position 1923, G replaced by T.
Protein change: p.Pro641=; no amino-acid change (proline 641 retained).
Molecular consequence: synonymous variant. On other transcripts: non-coding transcript variant (1).
Genome position (GRCh38, 1-based): chr16:50,711,915, G>T. VCF-style: chr16-50711915-G-T. GRCh37 (hg19) VCF-style: chr16-50745826-G-T.
Other names: c.1923G>T, p.Pro641= (NM_001293557.2); c.2004G>T, p.Pro668= (NM_022162.3).
Identifiers: ClinVar variation 1633970 (VCV001633970.12), dbSNP rs199475914, ClinGen allele CA8051670.